The following is an entry in ClinVar:

ClinVar aggregate classification (germline): Likely benign (1 of 4 stars; one submission).

Conditions:
MEPE-related disorder. Also called: MEPE-related condition.

gnomAD v4.1: 80 of 1,613,838 alleles (0.005%); highest among the groups gnomAD compares: Admixed American, 0.13%; no homozygotes.

Submission:

PreventionGenetics, part of Exact Sciences
Classification: Likely benign for MEPE-related condition. Last evaluated: 2025-05-22. Review status: criteria provided, single submitter. Criteria: ACMG Guidelines, 2015. Collection method: clinical testing. Allele origin: germline.
Comment: This variant is classified as likely benign based on ACMG/AMP sequence variant interpretation guidelines (Richards et al. 2015 PMID: 25741868, with internal and published modifications).

NM_020203.6(MEPE):c.1278G>T (p.Arg426Ser)

Genes: MEPE (matrix extracellular phosphoglycoprotein; plus strand), MEPE-AS1 (MEPE and IBSP antisense RNA 1; minus strand). Cytogenetic location: 4q22.1.
Variant type: single nucleotide variant.
Coding change: c.1278G>T on transcript NM_020203.6 (MANE Select); coding-DNA position 1278, G replaced by T.
Protein change: p.Arg426Ser; replaces arginine 426 with serine.
Molecular consequence: missense variant.
Genome position (GRCh38, 1-based): chr4:87,846,146, G>T. VCF-style: chr4-87846146-G-T. GRCh37 (hg19) VCF-style: chr4-88767298-G-T.
Other names: c.1278G>T, p.Arg426Ser (NM_001184694.3); c.939G>T, p.Arg313Ser (NM_001184695.4, NM_001184696.2, NM_001184697.2); c.1371G>T, p.Arg457Ser (NM_001291183.2); short protein forms R313S, R426S, R457S.
Identifiers: ClinVar variation 4985276 (VCV004985276.1).